The following is an entry in ClinVar:

NM_001430.5(EPAS1):c.2542G>C (p.Val848Leu)

Gene: EPAS1 (endothelial PAS domain protein 1; plus strand). Cytogenetic location: 2p21.
Variant type: single nucleotide variant.
Coding change: c.2542G>C on transcript NM_001430.5 (MANE Select); coding-DNA position 2542, G replaced by C.
Protein change: p.Val848Leu; replaces valine 848 with leucine.
Molecular consequence: missense variant.
Genome position (GRCh38, 1-based): chr2:46,384,589, G>C. VCF-style: chr2-46384589-G-C. GRCh37 (hg19) VCF-style: chr2-46611728-G-C.
Other names: short protein forms V848L.
Identifiers: ClinVar variation 3221637 (VCV003221637.1), dbSNP rs141498636, ClinGen allele CA346707092.
Genomic context (GRCh38, chr2:46,384,589, plus strand): 5'-GGGCCCTCATTTGAGTCCTACCTGCTGCCCGAACTGACCAGATATGACTGTGAGGTGAAC[G>C]TGCCCGTGCTGGGAAGCTCCACGCTCCTGCAAGGAGGGGACCTCCTCAGAGCCCTGGACC-3'
Protein context (NP_001421.2, residues 838-858): ELTRYDCEVN[Val848Leu]PVLGSSTLLQ

ClinVar aggregate classification (germline): Uncertain significance (1 of 4 stars; one submission).

Conditions:
Inborn genetic diseases. Identifiers: MedGen C0950123, MeSH D030342.

Submission:

Ambry Genetics
Classification: Uncertain significance for Inborn genetic diseases. Last evaluated: 2023-01-08. Review status: criteria provided, single submitter. Criteria: Ambry Variant Classification Scheme 2023. Collection method: clinical testing. Allele origin: germline.
Comment: The p.V848L variant (also known as c.2542G>C), located in coding exon 16 of the EPAS1 gene, results from a G to C substitution at nucleotide position 2542. The valine at codon 848 is replaced by leucine, an amino acid with highly similar properties. This amino acid position is conserved. In addition, the in silico prediction for this alteration is inconclusive. Since supporting evidence is limited at this time, the clinical significance of this alteration remains unclear.